The following is an entry in ClinVar:

NM_001365999.1(SZT2):c.1313G>A (p.Arg438His)

Gene: SZT2 (SZT2 subunit of KICSTOR complex; plus strand). Cytogenetic location: 1p34.2.
Variant type: single nucleotide variant.
Coding change: c.1313G>A on transcript NM_001365999.1 (MANE Select); coding-DNA position 1313, G replaced by A.
Protein change: p.Arg438His; replaces arginine 438 with histidine.
Molecular consequence: missense variant.
Genome position (GRCh38, 1-based): chr1:43,420,800, G>A. VCF-style: chr1-43420800-G-A. GRCh37 (hg19) VCF-style: chr1-43886471-G-A.
Other names: c.1313G>A, p.Arg438His (NM_015284.4); short protein forms R438H.
Identifiers: ClinVar variation 1006227 (VCV001006227.6), dbSNP rs12034650, ClinGen allele CA808394.

ClinVar aggregate classification (germline): Uncertain significance (1 of 4 stars; one submission).

Allele frequency attached by ClinVar (database versions not stated): gnomAD 0.00001; gnomAD exomes 0.00001; TOPMed 0.00001; ExAC 0.00002.
gnomAD v4.1: 10 of 1,598,334 alleles (0.00063%); highest among the groups gnomAD compares: Admixed American, 0.0033%; no homozygotes.

Submission:

Labcorp Genetics (formerly Invitae), Labcorp
Classification: Uncertain significance. Last evaluated: 2023-04-24. Review status: criteria provided, single submitter. Criteria: Invitae Variant Classification Sherloc (09022015). Collection method: clinical testing. Allele origin: germline.
Comment: In summary, the available evidence is currently insufficient to determine the role of this variant in disease. Therefore, it has been classified as a Variant of Uncertain Significance. Advanced modeling of protein sequence and biophysical properties (such as structural, functional, and spatial information, amino acid conservation, physicochemical variation, residue mobility, and thermodynamic stability) performed at Invitae indicates that this missense variant is not expected to disrupt SZT2 protein function. ClinVar contains an entry for this variant (Variation ID: 1006227). This variant has not been reported in the literature in individuals affected with SZT2-related conditions. This variant is present in population databases (rs12034650, gnomAD 0.003%). This sequence change replaces arginine, which is basic and polar, with histidine, which is basic and polar, at codon 438 of the SZT2 protein (p.Arg438His).